The following is an entry in ClinVar:

NM_004333.6(BRAF):c.1781A>T (p.Asp594Val)

Gene: BRAF (B-Raf proto-oncogene, serine/threonine kinase; minus strand). Cytogenetic location: 7q34.
Variant type: single nucleotide variant.
Coding change: c.1781A>T on transcript NM_004333.6 (MANE Select); coding-DNA position 1781, A replaced by T.
Protein change: p.Asp594Val; replaces aspartic acid 594 with valine.
Molecular consequence: missense variant.
Genome position (GRCh38, 1-based): chr7:140,753,354, T>A on the plus strand (A>T on the coding strand, the complement: BRAF is on the minus strand). VCF-style: chr7-140753354-T-A. GRCh37 (hg19) VCF-style: chr7-140453154-T-A.
Other names: c.1781A>T, p.Asp594Val (NM_001354609.2, NM_001378468.1, NM_001378474.1); c.1901A>T, p.Asp634Val (NM_001374244.1, NM_001374258.1); c.1790A>T, p.Asp597Val (NM_001378467.1); c.1715A>T, p.Asp572Val (NM_001378469.1); c.1679A>T, p.Asp560Val (NM_001378470.1); c.1670A>T, p.Asp557Val (NM_001378471.1); c.1625A>T, p.Asp542Val (NM_001378472.1, NM_001378473.1); c.1517A>T, p.Asp506Val (NM_001378475.1); short protein forms D594V, D506V, D542V, D557V, D560V, D572V, D597V, D634V.
Identifiers: ClinVar variation 375946 (VCV000375946.12), dbSNP rs121913338, ClinGen allele CA16602425.

ClinVar aggregate classification (germline): Pathogenic. Review status: reviewed by expert panel (3 of 4 stars). 3 submissions from 3 submitters: Pathogenic (1). 2 of the submissions do not count toward it. Last evaluated 2020-05-18.

Conditions:
Cardio-facio-cutaneous syndrome. Also called: Cardiofaciocutaneous syndrome; CFC syndrome. Identifiers: Orphanet 1340, MedGen C1275081, MONDO:0015280. Disease mechanism: gain of function.
RASopathy. Also called: rasopathies; Noonan spectrum disorder. Identifiers: Orphanet 536391, MedGen C5555857, MONDO:0021060.

Submissions (3):

ClinGen RASopathy Variant Curation Expert Panel
Classification: Pathogenic for RASopathy. Last evaluated: 2020-05-18. Review status: reviewed by expert panel. Criteria: ClinGen RASopathy ACMG Specifications v1. Collection method: curation. Allele origin: germline. Inheritance: Autosomal dominant inheritance.
Comment: The c.1781A>T (p.Asp594Val) variant in BRAF was absent from large population studies (PM2; gnomAD). The variant has been reported in 3 probands with clinical features of a RASopathy (PS4_Moderate; SCV000935844.1, SCV000965957.1, GeneDx internal data). In one proband, the variant was reported as de novo with confirmed parentage (PS2). The c.1781A>T (p.Asp594Val) variant is located in the CR3 activation segment of BRAF, which has been defined by the ClinGen RASopathy Expert Panel as a region important for protein function (PM1; PMID 29493581). Computational prediction tools and conservation analysis suggest that the variant may impact protein function (PP3). Finally, c.1781A>T (p.Asp594Val) is located in the BRAF gene, which has been defined by the ClinGen RASopathy Expert Panel as a gene with a low rate of benign missense variants and pathogenic missense variants are common (PP2; PMID: 29493581). In summary, this variant meets criteria to be classified as pathogenic for RASopathies in an autosomal dominant manner. RASopathy-specific ACMG/AMP criteria applied (PMID:29493581): PS2, PS4_Moderate, PM1, PM2, PP2, PP3,

Labcorp Genetics (formerly Invitae), Labcorp
Classification: Uncertain significance for RASopathy. Last evaluated: 2018-12-15. Review status: criteria provided, single submitter. Criteria: Invitae Variant Classification Sherloc (09022015). Collection method: clinical testing. Allele origin: germline. Not counted in ClinVar's aggregate classification.
Comment: This sequence change replaces aspartic acid with valine at codon 594 of the BRAF protein (p.Asp594Val). The aspartic acid residue is highly conserved and there is a large physicochemical difference between aspartic acid and valine. This variant is not present in population databases (ExAC no frequency). This variant has been observed in an individual affected with cardio-facio-cutaneous syndrome (PMID: 18413255). ClinVar contains an entry for this variant (Variation ID: 375946). This variant has been reported to affect BRAF protein function (PMID: 18413255, 20141835, 19376813, 19735675). In summary, the available evidence is currently insufficient to determine the role of this variant in disease. Therefore, it has been classified as a Variant of Uncertain Significance.

Service de Génétique Moléculaire, Hôpital Robert Debré
Classification: Uncertain significance for Cardio-facio-cutaneous syndrome. Review status: no assertion criteria provided. Collection method: clinical testing. Allele origin: unknown. Affected: yes. Observed: 1 variant allele. Not counted in ClinVar's aggregate classification.

Literature cited by the submitters: PubMed 18413255 (cited by Labcorp Genetics (formerly Invitae), Labcorp); PubMed 20141835 (cited by Labcorp Genetics (formerly Invitae), Labcorp); PubMed 19376813 (cited by Labcorp Genetics (formerly Invitae), Labcorp); PubMed 19735675 (cited by Labcorp Genetics (formerly Invitae), Labcorp).